The following is an entry in ClinVar:

ClinVar aggregate classification (germline): Uncertain significance. Review status: criteria provided, multiple submitters, no conflicts (2 of 4 stars). 2 submissions from 2 submitters: Uncertain significance (2). Last evaluated 2025-07-31.

Conditions:
Melnick-Needles syndrome (MNS). Also called: MELNICK-NEEDLES OSTEODYSPLASTY; OSTEODYSPLASTY OF MELNICK AND NEEDLES; Melnick-Needles Syndrome (FLNA-MNS). Identifiers: Orphanet 2484, MedGen C0025237, MONDO:0010650, OMIM 309350.
Frontometaphyseal dysplasia (FMD1). Identifiers: Orphanet 1826, MedGen C0265293, MONDO:0015942.
Heterotopia, periventricular, X-linked dominant (PVNH1). Also called: PERIVENTRICULAR NODULAR HETEROTOPIA 1; X-linked periventricular heterotopia; PERIVENTRICULAR NODULAR HETEROTOPIA 4; HETEROTOPIA, PERIVENTRICULAR, 1. Identifiers: Orphanet 2149, Orphanet 82004, MedGen C1848213, MONDO:0010233, OMIM 300049.
Oto-palato-digital syndrome, type II (OPD2). Also called: FACIOPALATOOSSEOUS SYNDROME; OPD II SYNDROME; Otopalatodigital Syndrome, Type II; Otopalatodigital Syndrome Type 2 (FLNA-OPD2). Identifiers: Orphanet 669, Orphanet 90652, MedGen C1844696, MONDO:0010571, OMIM 304120.

gnomAD v4.1: 1 of 1,210,925 alleles (0.000083%); highest among the groups gnomAD compares: Non-Finnish European, 0.00011%; no homozygotes.

Submissions (2):

Mayo Clinic Laboratories, Mayo Clinic
Classification: Uncertain significance. Last evaluated: 2025-07-31. Review status: criteria provided, single submitter. Criteria: ACMG Guidelines, 2015. Collection method: clinical testing. Allele origin: germline. Observed: 1 variant allele.
Comment: BP4_moderate, PP2, PM2_supporting

Labcorp Genetics (formerly Invitae), Labcorp
Classification: Uncertain significance for Oto-palato-digital syndrome, type II; Heterotopia, periventricular, X-linked dominant; Frontometaphyseal dysplasia; Melnick-Needles syndrome. Last evaluated: 2025-01-19. Review status: criteria provided, single submitter. Criteria: Invitae Variant Classification Sherloc (09022015). Collection method: clinical testing. Allele origin: germline.
Comment: This sequence change replaces glutamine, which is neutral and polar, with arginine, which is basic and polar, at codon 638 of the FLNA protein (p.Gln638Arg). This variant is not present in population databases (gnomAD no frequency). This variant has not been reported in the literature in individuals affected with FLNA-related conditions. Invitae Evidence Modeling of protein sequence and biophysical properties (such as structural, functional, and spatial information, amino acid conservation, physicochemical variation, residue mobility, and thermodynamic stability) indicates that this missense variant is not expected to disrupt FLNA protein function with a negative predictive value of 95%. In summary, the available evidence is currently insufficient to determine the role of this variant in disease. Therefore, it has been classified as a Variant of Uncertain Significance.

NM_001110556.2(FLNA):c.1913A>G (p.Gln638Arg)

Gene: FLNA (filamin A; minus strand). Cytogenetic location: Xq28.
Variant type: single nucleotide variant.
Coding change: c.1913A>G on transcript NM_001110556.2 (MANE Select); coding-DNA position 1913, A replaced by G.
Protein change: p.Gln638Arg; replaces glutamine 638 with arginine.
Molecular consequence: missense variant.
Genome position (GRCh38, 1-based): chrX:154,364,635, T>C on the plus strand (A>G on the coding strand, the complement: FLNA is on the minus strand). VCF-style: chrX-154364635-T-C. GRCh37 (hg19) VCF-style: chrX-153593003-T-C.
Other names: p.Gln638Arg; c.1913A>G (NM_001456.3); c.1913A>G, p.Gln638Arg (NM_001456.4); short protein forms Q638R.
Identifiers: ClinVar variation 3762040 (VCV003762040.3).